The following is an entry in ClinVar:

NM_007254.4(PNKP):c.817-5del

Gene: PNKP (polynucleotide kinase 3'-phosphatase; minus strand). Cytogenetic location: 19q13.33.
Variant type: Deletion.
Coding change: c.817-5del on transcript NM_007254.4 (MANE Select); 5 bases into the intron before coding-DNA position 817, one base deleted (C; older notation c.817-5delC).
Molecular consequence: intron variant.
Genome position (GRCh38, 1-based): chr19:49,862,743, G deleted on the plus strand (C on the coding strand, the reverse complement: PNKP is on the minus strand); the first of 3 consecutive G bases (chr19:49,862,743-49,862,745); deleting any one gives the same sequence. VCF-style (leftmost placement, unchanged base first): chr19-49862742-CG-C. GRCh37 (hg19) VCF-style: chr19-50365999-CG-C.
Other names: c.817-5delC (NM_007254.2).
Identifiers: ClinVar variation 514260 (VCV000514260.10), dbSNP rs767881542, ClinGen allele CA9586766.

ClinVar aggregate classification (germline): Likely benign. Review status: criteria provided, multiple submitters, no conflicts (2 of 4 stars). 2 submissions from 2 submitters: Likely benign (2). Last evaluated 2025-12-30.

Conditions:
Developmental and epileptic encephalopathy, 12 (DEE12). Identifiers: MedGen C3150988, MONDO:0013389, OMIM 613722.

Submissions (2):

Labcorp Genetics (formerly Invitae), Labcorp
Classification: Likely benign for Developmental and epileptic encephalopathy, 12. Last evaluated: 2025-12-30. Review status: criteria provided, single submitter. Criteria: Invitae Variant Classification Sherloc (09022015). Collection method: clinical testing. Allele origin: germline.

GeneDx
Classification: Likely benign. Last evaluated: 2017-12-27. Review status: criteria provided, single submitter. Criteria: GeneDx Variant Classification (06012015). Collection method: clinical testing. Allele origin: germline. Affected: yes.
Comment: This variant is considered likely benign or benign based on one or more of the following criteria: it is a conservative change, it occurs at a poorly conserved position in the protein, it is predicted to be benign by multiple in silico algorithms, and/or has population frequency not consistent with disease.